The following is an entry in ClinVar:

ClinVar aggregate classification (germline): Uncertain significance (1 of 4 stars; one submission).

Allele frequency attached by ClinVar (database versions not stated): gnomAD exomes 0.00001; ExAC 0.00002; gnomAD 0.00007; ESP Exome Variant Server 0.00008; TOPMed 0.00008.
gnomAD v4.1: 28 of 1,461,294 alleles (0.0019%); highest among the groups gnomAD compares: African/African-American, 0.0083%; no homozygotes.

Submission:

Labcorp Genetics (formerly Invitae), Labcorp
Classification: Uncertain significance. Last evaluated: 2025-01-06. Review status: criteria provided, single submitter. Criteria: Invitae Variant Classification Sherloc (09022015). Collection method: clinical testing. Allele origin: germline.
Comment: This sequence change replaces glycine, which is neutral and non-polar, with serine, which is neutral and polar, at codon 840 of the COL18A1 protein (p.Gly840Ser). This variant is present in population databases (rs372552105, gnomAD 0.02%). This variant has not been reported in the literature in individuals affected with COL18A1-related conditions. ClinVar contains an entry for this variant (Variation ID: 2192748). Experimental studies and prediction algorithms are not available or were not evaluated, and the functional significance of this variant is currently unknown. In summary, the available evidence is currently insufficient to determine the role of this variant in disease. Therefore, it has been classified as a Variant of Uncertain Significance.

NM_001379500.1(COL18A1):c.2518G>A (p.Gly840Ser)

Gene: COL18A1 (collagen type XVIII alpha 1 chain; plus strand). Cytogenetic location: 21q22.3.
Variant type: single nucleotide variant.
Coding change: c.2518G>A on transcript NM_001379500.1 (MANE Select); coding-DNA position 2518, G replaced by A.
Protein change: p.Gly840Ser; replaces glycine 840 with serine.
Molecular consequence: missense variant.
Genome position (GRCh38, 1-based): chr21:45,496,509, G>A. VCF-style: chr21-45496509-G-A. GRCh37 (hg19) VCF-style: chr21-46916423-G-A.
Other names: c.3058G>A, p.Gly1020Ser (NM_030582.4); c.3763G>A, p.Gly1255Ser (NM_130444.3); short protein forms G1020S, G1255S, G840S.
Identifiers: ClinVar variation 2192748 (VCV002192748.3), dbSNP rs372552105, ClinGen allele CA10067168.